The following is an entry in ClinVar:

NM_004523.4(KIF11):c.178A>C (p.Lys60Gln)

Gene: KIF11 (kinesin family member 11; plus strand). Cytogenetic location: 10q23.33.
Variant type: single nucleotide variant.
Coding change: c.178A>C on transcript NM_004523.4 (MANE Select); coding-DNA position 178, A replaced by C.
Protein change: p.Lys60Gln; replaces lysine 60 with glutamine.
Molecular consequence: missense variant.
Genome position (GRCh38, 1-based): chr10:92,606,365, A>C. VCF-style: chr10-92606365-A-C. GRCh37 (hg19) VCF-style: chr10-94366122-A-C.
Other names: short protein forms K60Q.
Identifiers: ClinVar variation 4709680 (VCV004709680.1).
Genomic context (GRCh38, chr10:92,606,365, plus strand): 5'-ATAGTAGAATGTGATCCTGTACGAAAAGAAGTTAGTGTACGAACTGGAGGATTGGCTGAC[A>C]AGAGCTCAAGGAAAACATACACTTTTGATATGGTAACATATGGTGCAATTTCTTTATTAT-3'
Protein context (NP_004514.2, residues 50-70): VSVRTGGLAD[Lys60Gln]SSRKTYTFDM

ClinVar aggregate classification (germline): Uncertain significance (1 of 4 stars; one submission).

Submission:

Labcorp Genetics (formerly Invitae), Labcorp
Classification: Uncertain significance. Last evaluated: 2025-03-10. Review status: criteria provided, single submitter. Criteria: Invitae Variant Classification Sherloc (09022015). Collection method: clinical testing. Allele origin: germline.
Comment: This sequence change replaces lysine, which is basic and polar, with glutamine, which is neutral and polar, at codon 60 of the KIF11 protein (p.Lys60Gln). This variant is not present in population databases (gnomAD no frequency). This variant has not been reported in the literature in individuals affected with KIF11-related conditions. Invitae Evidence Modeling of protein sequence and biophysical properties (such as structural, functional, and spatial information, amino acid conservation, physicochemical variation, residue mobility, and thermodynamic stability) indicates that this missense variant is not expected to disrupt KIF11 protein function with a negative predictive value of 95%. In summary, the available evidence is currently insufficient to determine the role of this variant in disease. Therefore, it has been classified as a Variant of Uncertain Significance.